The following is an entry in ClinVar:

ClinVar aggregate classification (germline): Uncertain significance. Review status: criteria provided, multiple submitters, no conflicts (2 of 4 stars). 2 submissions from 2 submitters: Uncertain significance (2). Last evaluated 2025-01-29.

Conditions:
Type 2 diabetes mellitus. Also called: Type II diabetes mellitus. Identifiers: MedGen C0011860, MeSH D003924, MONDO:0005148, OMIM 125853, HP:0005978.
Maturity-onset diabetes of the young type 6 (MODY6). Identifiers: Orphanet 552, MedGen C1853371, MONDO:0011668, OMIM 606394.

Submissions (2):

Labcorp Genetics (formerly Invitae), Labcorp
Classification: Uncertain significance. Last evaluated: 2025-01-29. Review status: criteria provided, single submitter. Criteria: Invitae Variant Classification Sherloc (09022015). Collection method: clinical testing. Allele origin: germline.
Comment: This sequence change replaces methionine, which is neutral and non-polar, with valine, which is neutral and non-polar, at codon 46 of the NEUROD1 protein (p.Met46Val). This variant is present in population databases (rs760837593, gnomAD 0.002%). This variant has not been reported in the literature in individuals affected with NEUROD1-related conditions. Invitae Evidence Modeling of protein sequence and biophysical properties (such as structural, functional, and spatial information, amino acid conservation, physicochemical variation, residue mobility, and thermodynamic stability) indicates that this missense variant is not expected to disrupt NEUROD1 protein function with a negative predictive value of 80%. In summary, the available evidence is currently insufficient to determine the role of this variant in disease. Therefore, it has been classified as a Variant of Uncertain Significance.

Fulgent Genetics
Classification: Uncertain significance for Type 2 diabetes mellitus; Maturity-onset diabetes of the young type 6. Last evaluated: 2024-05-08. Review status: criteria provided, single submitter. Criteria: ACMG Guidelines, 2015. Collection method: clinical testing. Allele origin: germline.

NM_002500.5(NEUROD1):c.136A>G (p.Met46Val)

Gene: NEUROD1 (neuronal differentiation 1; minus strand). Cytogenetic location: 2q31.3.
Variant type: single nucleotide variant.
Coding change: c.136A>G on transcript NM_002500.5 (MANE Select); coding-DNA position 136, A replaced by G.
Protein change: p.Met46Val; replaces methionine 46 with valine.
Molecular consequence: missense variant.
Genome position (GRCh38, 1-based): chr2:181,678,725, T>C on the plus strand (A>G on the coding strand, the complement: NEUROD1 is on the minus strand). VCF-style: chr2-181678725-T-C. GRCh37 (hg19) VCF-style: chr2-182543452-T-C.
Other names: short protein forms M46V.
Identifiers: ClinVar variation 3585118 (VCV003585118.3).